The following is an entry in ClinVar:

NM_181486.4(TBX5):c.604T>C (p.Cys202Arg)

Gene: TBX5 (T-box transcription factor 5; minus strand). Cytogenetic location: 12q24.21.
Variant type: single nucleotide variant.
Coding change: c.604T>C on transcript NM_181486.4 (MANE Select); coding-DNA position 604, T replaced by C.
Protein change: p.Cys202Arg; replaces cysteine 202 with arginine.
Molecular consequence: missense variant.
Genome position (GRCh38, 1-based): chr12:114,394,800, A>G on the plus strand (T>C on the coding strand, the complement: TBX5 is on the minus strand). VCF-style: chr12-114394800-A-G. GRCh37 (hg19) VCF-style: chr12-114832605-A-G.
Other names: c.604T>C, p.Cys202Arg (NM_000192.3); c.454T>C, p.Cys152Arg (NM_080717.4); short protein forms C202R, C152R.
Identifiers: ClinVar variation 1751277 (VCV001751277.2), dbSNP rs759713411, ClinGen allele CA6809570.
Genomic context (GRCh38, chr12:114,394,800, plus strand): 5'-CCTTGTGGTTCTGGTAGGAAGTCACTGCTATAAACGCAGTCTCAGGAAAGACGTGAGTGC[A>G]GAACGCTGTATTTTTTGAGCCAAATCCATTATTTTCATCCGCTTTCACGATGTGTAATCT-3'
Protein context (NP_852259.1, residues 192-212): NGFGSKNTAF[Cys202Arg]THVFPETAFI

ClinVar aggregate classification (germline): Uncertain significance (1 of 4 stars; one submission).

Conditions:
Cardiovascular phenotype. Identifiers: MedGen CN230736.

Allele frequency attached by ClinVar (database versions not stated): gnomAD exomes below 0.00001; ExAC 0.00001; gnomAD 0.00001.
gnomAD v4.1: 4 of 1,614,106 alleles (0.00025%); highest among the groups gnomAD compares: African/African-American, 0.0053%; no homozygotes.

Submission:

Ambry Genetics
Classification: Uncertain significance for Cardiovascular phenotype. Last evaluated: 2023-10-06. Review status: criteria provided, single submitter. Criteria: Ambry Variant Classification Scheme 2023. Collection method: clinical testing. Allele origin: germline.
Comment: The p.C202R variant (also known as c.604T>C), located in coding exon 5 of the TBX5 gene, results from a T to C substitution at nucleotide position 604. The cysteine at codon 202 is replaced by arginine, an amino acid with highly dissimilar properties. This amino acid position is highly conserved in available vertebrate species. In addition, the in silico prediction for this alteration is inconclusive. Since supporting evidence is limited at this time, the clinical significance of this alteration remains unclear.